The following is an entry in ClinVar:

NM_016222.4(DDX41):c.189G>C (p.Gln63His)

Gene: DDX41 (DEAD-box helicase 41; minus strand). Cytogenetic location: 5q35.3.
Variant type: single nucleotide variant.
Coding change: c.189G>C on transcript NM_016222.4 (MANE Select); coding-DNA position 189, G replaced by C.
Protein change: p.Gln63His; replaces glutamine 63 with histidine.
Molecular consequence: missense variant. On other transcripts: 5 prime UTR variant (2).
Genome position (GRCh38, 1-based): chr5:177,516,397, C>G on the plus strand (G>C on the coding strand, the complement: DDX41 is on the minus strand). VCF-style: chr5-177516397-C-G. GRCh37 (hg19) VCF-style: chr5-176943398-C-G.
Other names: c.189G>C (NM_016222.2); c.-190G>C (NM_001321732.2, NM_001321830.2); short protein forms Q63H.
Identifiers: ClinVar variation 2167944 (VCV002167944.11), dbSNP rs749201065, ClinGen allele CA3585310.

ClinVar aggregate classification (germline): Conflicting classifications of pathogenicity. Review status: criteria provided, conflicting classifications (1 of 4 stars). 4 submissions from 4 submitters: Uncertain significance (2); Likely benign (2). Last evaluated 2025-09-04.

Conditions:
DDX41-related hematologic malignancy predisposition syndrome. Also called: Myeloproliferative/lymphoproliferative neoplasms, familial (multiple types), susceptibility to; DDX41-Associated Familial Myelodysplastic Syndrome and Acute Myeloid Leukemia. Identifiers: Orphanet 488647, MedGen C4225174, MONDO:0014809, OMIM 616871.
Inborn genetic diseases. Identifiers: MedGen C0950123, MeSH D030342.

Allele frequency attached by ClinVar (database versions not stated): TOPMed 0.00006; ExAC 0.00009.
gnomAD v4.1: 32 of 1,613,960 alleles (0.002%); highest among the groups gnomAD compares: Admixed American, 0.053%; no homozygotes.

Submissions (4):

Labcorp Genetics (formerly Invitae), Labcorp
Classification: Likely benign. Last evaluated: 2025-09-04. Review status: criteria provided, single submitter. Criteria: Invitae Variant Classification Sherloc (09022015). Collection method: clinical testing. Allele origin: germline.

GeneDx
Classification: Uncertain significance. Last evaluated: 2025-07-09. Review status: criteria provided, single submitter. Criteria: GeneDx Variant Classification Process June 2021. Collection method: clinical testing. Allele origin: germline. Affected: yes.
Comment: In silico analysis suggests that this missense variant does not alter protein structure/function; Observed in the presumed germline of an individual with a myeloid neoplasm (PMID: 37154083); This variant is associated with the following publications: (PMID: 37154083, 38492200)

Ambry Genetics
Classification: Likely benign for Inborn genetic diseases. Last evaluated: 2024-08-21. Review status: criteria provided, single submitter. Criteria: Ambry Variant Classification Scheme 2023. Collection method: clinical testing. Allele origin: germline.

Baylor Genetics
Classification: Uncertain significance for DDX41-related hematologic malignancy predisposition syndrome. Last evaluated: 2023-05-06. Review status: criteria provided, single submitter. Criteria: ACMG Guidelines, 2015. Collection method: clinical testing. Allele origin: unknown.